The following is an entry in ClinVar:

ClinVar aggregate classification (germline): Conflicting classifications of pathogenicity. Review status: criteria provided, conflicting classifications (1 of 4 stars). 2 submissions from 2 submitters: Uncertain significance (1); Likely benign (1). Last evaluated 2023-03-23.

Conditions:
Hereditary cancer-predisposing syndrome. Also called: Tumor predisposition; Hereditary Cancer Syndrome; Neoplastic Syndromes, Hereditary; Hereditary neoplastic syndrome. Identifiers: Orphanet 140162, MedGen C0027672, MeSH D009386, MONDO:0015356.

Submissions (2):

University of Washington Department of Laboratory Medicine, University of Washington
Classification: Likely benign for Hereditary cancer-predisposing syndrome. Last evaluated: 2023-03-23. Review status: criteria provided, single submitter. Criteria: Dines et al. (Genet Med. 2020). Collection method: curation. Allele origin: germline.
Comment: Missense variant in a coldspot region where missense variants are very unlikely to be pathogenic (PMID:31911673).

BRCA1 coldspot (exon 11 using historical exon numbering). Reclassification based on statistical prior probability

Ambry Genetics
Classification: Uncertain significance for Hereditary cancer-predisposing syndrome. Last evaluated: 2019-12-03. Review status: criteria provided, single submitter. Criteria: Ambry Variant Classification Scheme 2023. Collection method: clinical testing. Allele origin: germline.
Comment: The p.S1057T variant (also known as c.3170G>C), located in coding exon 9 of the BRCA1 gene, results from a G to C substitution at nucleotide position 3170. The serine at codon 1057 is replaced by threonine, an amino acid with similar properties. This amino acid position is conserved on limited sequence alignment. In addition, the in silico prediction for this alteration is inconclusive. Since supporting evidence is limited at this time, the clinical significance of this alteration remains unclear.

NM_007294.4(BRCA1):c.3170G>C (p.Ser1057Thr)

Gene: BRCA1 (BRCA1 DNA repair associated; minus strand). Cytogenetic location: 17q21.31.
Variant type: single nucleotide variant.
Coding change: c.3170G>C on transcript NM_007294.4 (MANE Select); coding-DNA position 3170, G replaced by C.
Protein change: p.Ser1057Thr; replaces serine 1057 with threonine.
Molecular consequence: missense variant. On other transcripts: intron variant (137).
Genome position (GRCh38, 1-based): chr17:43,092,361, C>G on the plus strand (G>C on the coding strand, the complement: BRCA1 is on the minus strand). VCF-style: chr17-43092361-C-G. GRCh37 (hg19) VCF-style: chr17-41244378-C-G.
Other names: c.2957G>C, p.Ser986Thr (NM_001407571.1, NM_001407853.1, NM_001407894.1 and 9 more transcripts); c.3170G>C, p.Ser1057Thr (NM_001407581.1, NM_001407582.1, NM_001407583.1 and 30 more transcripts); c.3167G>C, p.Ser1056Thr (NM_001407587.1, NM_001407590.1, NM_001407591.1 and 22 more transcripts); c.3161G>C, p.Ser1054Thr (NM_001407646.1, NM_001407647.1); c.3047G>C, p.Ser1016Thr (NM_001407648.1, NM_001407664.1, NM_001407665.1 and 19 more transcripts); c.3044G>C, p.Ser1015Thr (NM_001407649.1, NM_001407670.1, NM_001407671.1 and 11 more transcripts); c.3092G>C, p.Ser1031Thr (NM_001407653.1, NM_001407654.1, NM_001407655.1 and 4 more transcripts); c.3089G>C, p.Ser1030Thr (NM_001407659.1, NM_001407660.1, NM_001407661.1 and 1 more transcripts); and 41 more; short protein forms S1010T, S1057T, S1009T, S1016T, S1056T, S889T, S930T, S946T.
Identifiers: ClinVar variation 823064 (VCV000823064.7), dbSNP rs587776487, ClinGen allele CA10595649.